The following is an entry in ClinVar:

NM_032603.5(LOXL3):c.1043T>C (p.Leu348Pro)

Gene: LOXL3 (lysyl oxidase like 3; minus strand). Cytogenetic location: 2p13.1.
Variant type: single nucleotide variant.
Coding change: c.1043T>C on transcript NM_032603.5 (MANE Select); coding-DNA position 1043, T replaced by C.
Protein change: p.Leu348Pro; replaces leucine 348 with proline.
Molecular consequence: missense variant. On other transcripts: 5 prime UTR variant (1).
Genome position (GRCh38, 1-based): chr2:74,536,341, A>G on the plus strand (T>C on the coding strand, the complement: LOXL3 is on the minus strand). VCF-style: chr2-74536341-A-G. GRCh37 (hg19) VCF-style: chr2-74763468-A-G.
Other names: c.608T>C, p.Leu203Pro (NM_001289164.3); c.-41T>C (NM_001289165.2); short protein forms L203P, L348P.
Identifiers: ClinVar variation 2578178 (VCV002578178.2), dbSNP rs1177992128, ClinGen allele CA347389877.

ClinVar aggregate classification (germline): Uncertain significance. Review status: criteria provided, multiple submitters, no conflicts (2 of 4 stars). 2 submissions from 2 submitters: Uncertain significance (2). Last evaluated 2024-02-23.

Allele frequency attached by ClinVar (database versions not stated): gnomAD exomes below 0.00001; TOPMed 0.00001.

Submissions (2):

Labcorp Genetics (formerly Invitae), Labcorp
Classification: Uncertain significance. Last evaluated: 2024-02-23. Review status: criteria provided, single submitter. Criteria: Invitae Variant Classification Sherloc (09022015). Collection method: clinical testing. Allele origin: germline.
Comment: This sequence change replaces leucine, which is neutral and non-polar, with proline, which is neutral and non-polar, at codon 348 of the LOXL3 protein (p.Leu348Pro). This variant is present in population databases (no rsID available, gnomAD 0.006%). This variant has not been reported in the literature in individuals affected with LOXL3-related conditions. ClinVar contains an entry for this variant (Variation ID: 2578178). An algorithm developed to predict the effect of missense changes on protein structure and function (PolyPhen-2) suggests that this variant is likely to be disruptive. In summary, the available evidence is currently insufficient to determine the role of this variant in disease. Therefore, it has been classified as a Variant of Uncertain Significance.

GeneDx
Classification: Uncertain significance. Last evaluated: 2023-02-27. Review status: criteria provided, single submitter. Criteria: GeneDx Variant Classification Process June 2021. Collection method: clinical testing. Allele origin: germline. Affected: yes.
Comment: In silico analysis supports that this missense variant has a deleterious effect on protein structure/function; Has not been previously published as pathogenic or benign to our knowledge